The following is an entry in ClinVar:

NM_183381.3(RNF13):c.828A>C (p.Lys276Asn)

Gene: RNF13 (ring finger protein 13; plus strand). Cytogenetic location: 3q25.1.
Variant type: single nucleotide variant.
Coding change: c.828A>C on transcript NM_183381.3 (MANE Select); coding-DNA position 828, A replaced by C.
Protein change: p.Lys276Asn; replaces lysine 276 with asparagine.
Molecular consequence: missense variant. On other transcripts: non-coding transcript variant (1).
Genome position (GRCh38, 1-based): chr3:149,960,786, A>C. VCF-style: chr3-149960786-A-C. GRCh37 (hg19) VCF-style: chr3-149678573-A-C.
Other names: c.828A>C, p.Lys276Asn (NM_001378285.1, NM_001378286.1, NM_007282.4); c.471A>C, p.Lys157Asn (NM_001378287.1, NM_001378288.1, NM_001378289.1 and 2 more transcripts); c.435A>C, p.Lys145Asn (NM_001378291.1); short protein forms K276N, K145N, K157N.
Identifiers: ClinVar variation 2114177 (VCV002114177.4), dbSNP rs1237479258, ClinGen allele CA354935524.

ClinVar aggregate classification (germline): Uncertain significance (1 of 4 stars; one submission).

Submission:

Labcorp Genetics (formerly Invitae), Labcorp
Classification: Uncertain significance. Last evaluated: 2024-10-16. Review status: criteria provided, single submitter. Criteria: Invitae Variant Classification Sherloc (09022015). Collection method: clinical testing. Allele origin: germline.
Comment: This sequence change replaces lysine, which is basic and polar, with asparagine, which is neutral and polar, at codon 276 of the RNF13 protein (p.Lys276Asn). This variant is not present in population databases (gnomAD no frequency). This variant has not been reported in the literature in individuals affected with RNF13-related conditions. ClinVar contains an entry for this variant (Variation ID: 2114177). Invitae Evidence Modeling of protein sequence and biophysical properties (such as structural, functional, and spatial information, amino acid conservation, physicochemical variation, residue mobility, and thermodynamic stability) indicates that this missense variant is expected to disrupt RNF13 protein function with a positive predictive value of 80%. In summary, the available evidence is currently insufficient to determine the role of this variant in disease. Therefore, it has been classified as a Variant of Uncertain Significance.